The following is an entry in ClinVar:

ClinVar aggregate classification (germline): Uncertain significance (1 of 4 stars; one submission).

Conditions:
Koolen-de Vries syndrome (KDVS). Identifiers: Orphanet 96169, MedGen C1864871, MONDO:0012496, OMIM 610443.

Allele frequency attached by ClinVar (database versions not stated): gnomAD exomes below 0.00001.
gnomAD v4.1: 1 of 1,614,042 alleles (0.000062%); no homozygotes.

Submission:

Labcorp Genetics (formerly Invitae), Labcorp
Classification: Uncertain significance for Koolen-de Vries syndrome. Last evaluated: 2019-10-03. Review status: criteria provided, single submitter. Criteria: Invitae Variant Classification Sherloc (09022015). Collection method: clinical testing. Allele origin: germline.
Comment: This sequence change replaces arginine with glycine at codon 1059 of the KANSL1 protein (p.Arg1059Gly). The arginine residue is moderately conserved and there is a moderate physicochemical difference between arginine and glycine. This variant is not present in population databases (ExAC no frequency). This variant has not been reported in the literature in individuals with KANSL1-related conditions. Algorithms developed to predict the effect of missense changes on protein structure and function are either unavailable or do not agree on the potential impact of this missense change (SIFT: "Deleterious"; PolyPhen-2: "Benign"; Align-GVGD: "Class C0"). In summary, the available evidence is currently insufficient to determine the role of this variant in disease. Therefore, it has been classified as a Variant of Uncertain Significance.

NM_015443.4(KANSL1):c.3175C>G (p.Arg1059Gly)

Gene: KANSL1 (KAT8 regulatory NSL complex subunit 1). Cytogenetic location: 17q21.31.
Variant type: single nucleotide variant.
Coding change: c.3175C>G on transcript NM_015443.4 (MANE Select); coding-DNA position 3175, C replaced by G.
Protein change: p.Arg1059Gly; replaces arginine 1059 with glycine.
Molecular consequence: missense variant.
Genome position (GRCh38, 1-based): chr17:46,031,619, G>C on the plus strand (C>G on the coding strand, the complement: KANSL1 is on the minus strand). VCF-style: chr17-46031619-G-C. GRCh37 (hg19) VCF-style: chr17-44108985-G-C.
Other names: c.3172C>G, p.Arg1058Gly (NM_001193465.2); c.3175C>G, p.Arg1059Gly (NM_001193466.2, NM_001379198.1); short protein forms R1058G, R1059G.
Identifiers: ClinVar variation 971163 (VCV000971163.1), dbSNP rs2077009798, ClinGen allele CA399986008.